The following is an entry in ClinVar:

ClinVar aggregate classification (germline): Uncertain significance (1 of 4 stars; one submission).

Conditions:
Acromesomelic dysplasia 1, Maroteaux type (AMD1). Also called: ST. HELENA DYSPLASIA; ACROMESOMELIC DYSPLASIA 1. Identifiers: Orphanet 40, MedGen C1864356, MONDO:0011275, OMIM 602875.
Tall stature-scoliosis-macrodactyly of the great toes syndrome. Also called: Epiphyseal chondrodysplasia, miura type. Identifiers: Orphanet 329191, MedGen C4014690, MONDO:0014401, OMIM 615923.

Allele frequency attached by ClinVar (database versions not stated): gnomAD exomes below 0.00001; ExAC 0.00001.

Submission:

Labcorp Genetics (formerly Invitae), Labcorp
Classification: Uncertain significance for Tall stature-scoliosis-macrodactyly of the great toes syndrome; Acromesomelic dysplasia 1, Maroteaux type. Last evaluated: 2022-05-16. Review status: criteria provided, single submitter. Criteria: Invitae Variant Classification Sherloc (09022015). Collection method: clinical testing. Allele origin: germline.
Comment: This sequence change replaces isoleucine, which is neutral and non-polar, with serine, which is neutral and polar, at codon 223 of the NPR2 protein (p.Ile223Ser). This variant is present in population databases (rs746430224, gnomAD 0.003%). In summary, the available evidence is currently insufficient to determine the role of this variant in disease. Therefore, it has been classified as a Variant of Uncertain Significance. Algorithms developed to predict the effect of sequence changes on RNA splicing suggest that this variant may create or strengthen a splice site. Algorithms developed to predict the effect of missense changes on protein structure and function are either unavailable or do not agree on the potential impact of this missense change (SIFT: "Deleterious"; PolyPhen-2: "Benign"; Align-GVGD: "Class C65"). This variant has not been reported in the literature in individuals affected with NPR2-related conditions.

NM_003995.4(NPR2):c.668T>G (p.Ile223Ser)

Gene: NPR2 (natriuretic peptide receptor 2; plus strand). Cytogenetic location: 9p13.3.
Variant type: single nucleotide variant.
Coding change: c.668T>G on transcript NM_003995.4 (MANE Select); coding-DNA position 668, T replaced by G.
Protein change: p.Ile223Ser; replaces isoleucine 223 with serine.
Molecular consequence: missense variant.
Genome position (GRCh38, 1-based): chr9:35,793,898, T>G. VCF-style: chr9-35793898-T-G. GRCh37 (hg19) VCF-style: chr9-35793895-T-G.
Other names: c.668T>G, p.Ile223Ser (NM_001378923.1); short protein forms I223S.
Identifiers: ClinVar variation 1995241 (VCV001995241.4), dbSNP rs746430224, ClinGen allele CA5051497.
Genomic context (GRCh38, chr9:35,793,898, plus strand): 5'-GCTGTGTGGGGGACCTGGATACCTTCTCAGGGTGCTCCTCTGTCATGTACCTGCTCCCAG[T>G]TGTGTATATCTGCGGCCCTCTGGAGATGCTGCATGAGATCCTGCTTCAGGCCCAGAGGGA-3'
Protein context (NP_003986.2, residues 213-233): ATHFIRANGR[Ile223Ser]VYICGPLEML